The following is an entry in ClinVar:

ClinVar aggregate classification (germline): Pathogenic (1 of 4 stars; one submission).

Submission:

Labcorp Genetics (formerly Invitae), Labcorp
Classification: Pathogenic. Last evaluated: 2022-09-23. Review status: criteria provided, single submitter. Criteria: Invitae Variant Classification Sherloc (09022015). Collection method: clinical testing. Allele origin: germline.
Comment: For these reasons, this variant has been classified as Pathogenic. This variant has not been reported in the literature in individuals affected with COL4A5-related conditions. This variant is a gross deletion of the genomic region encompassing exon(s) 3-47 of the COL4A5 gene. This deletion is out-of-frame, and is expected to create a premature termination codon and result in an absent or disrupted protein product. Loss-of-function variants in COL4A5 are known to be pathogenic (PMID: 9195222, 10752524, 14514738, 24854265, 26809805).

Literature cited by the submitters: PubMed 9195222; PubMed 10752524; PubMed 14514738; PubMed 24854265; PubMed 26809805.

NC_000023.10:g.(?_107802274)_(107933678_?)del

Gene: COL4A5 (collagen type IV alpha 5 chain; plus strand). Cytogenetic location: Xq22.3.
Variant type: Deletion.
Identifiers: ClinVar variation 2423170 (VCV002423170.4).